The following is an entry in ClinVar:

ClinVar aggregate classification (germline): Uncertain significance. Review status: criteria provided, multiple submitters, no conflicts (2 of 4 stars). 3 submissions from 3 submitters: Uncertain significance (2). 1 of the submissions does not count toward it. Last evaluated 2022-09-06.

Conditions:
Nemaline myopathy 2 (NEM2). Also called: Nemaline myopathy 2, autosomal recessive. Identifiers: MedGen C1850569, MONDO:0009725, OMIM 256030.

Allele frequency attached by ClinVar (database versions not stated): gnomAD exomes 0.00002 and below 0.00001; ExAC 0.00001; gnomAD 0.00001; TOPMed 0.00001.
gnomAD v4.1: 9 of 1,613,914 alleles (0.00056%); highest among the groups gnomAD compares: African/African-American, 0.0027%; no homozygotes.

Submissions (3):

Labcorp Genetics (formerly Invitae), Labcorp
Classification: Uncertain significance for Nemaline myopathy 2. Last evaluated: 2022-09-06. Review status: criteria provided, single submitter. Criteria: Invitae Variant Classification Sherloc (09022015). Collection method: clinical testing. Allele origin: germline.
Comment: This sequence change replaces valine, which is neutral and non-polar, with isoleucine, which is neutral and non-polar, at codon 3066 of the NEB protein (p.Val3066Ile). This variant is present in population databases (rs755604172, gnomAD 0.006%). This variant has not been reported in the literature in individuals affected with NEB-related conditions. ClinVar contains an entry for this variant (Variation ID: 966344). Algorithms developed to predict the effect of missense changes on protein structure and function are either unavailable or do not agree on the potential impact of this missense change (SIFT: "Deleterious"; PolyPhen-2: "Not Available"; Align-GVGD: "Class C0"). In summary, the available evidence is currently insufficient to determine the role of this variant in disease. Therefore, it has been classified as a Variant of Uncertain Significance.

Revvity Omics, Revvity
Classification: Uncertain significance. Last evaluated: 2022-06-14. Review status: criteria provided, single submitter. Criteria: ACMG Guidelines, 2015. Collection method: clinical testing. Allele origin: germline.

Natera, Inc.
Classification: Uncertain significance for Nemaline myopathy type 2. Last evaluated: 2020-03-17. Review status: no assertion criteria provided. Collection method: clinical testing. Allele origin: germline. Not counted in ClinVar's aggregate classification.

NM_001164508.2(NEB):c.9196G>A (p.Val3066Ile)

Gene: NEB (nebulin; minus strand). Cytogenetic location: 2q23.3.
Variant type: single nucleotide variant.
Coding change: c.9196G>A on transcript NM_001164508.2 (MANE Select); coding-DNA position 9196, G replaced by A.
Protein change: p.Val3066Ile; replaces valine 3066 with isoleucine.
Molecular consequence: missense variant. On other transcripts: intron variant (1).
Genome position (GRCh38, 1-based): chr2:151,633,872, C>T on the plus strand (G>A on the coding strand, the complement: NEB is on the minus strand). VCF-style: chr2-151633872-C-T. GRCh37 (hg19) VCF-style: chr2-152490386-C-T.
Other names: c.9196G>A, p.Val3066Ile (NM_001164507.2, NM_001271208.2); c.8854-2694G>A (NM_004543.5); short protein forms V3066I.
Identifiers: ClinVar variation 966344 (VCV000966344.13), dbSNP rs755604172, ClinGen allele CA1909381.
Genomic context (GRCh38, chr2:151,633,872, plus strand): 5'-ACTTGGTCTTCCACTTCTCAAAGTCCTTTTTGTACTCCCTGTCACTCTGGATCTTGGCTA[C>T]GTGCATGGACCACATCATCTTGGGGTCATCTTCAATGTTCCGGGCTCCAATATGGTGGCC-3'
Protein context (NP_001157980.2, residues 3056-3076): DDPKMMWSMH[Val3066Ile]AKIQSDREYK